The following is an entry in ClinVar:

NM_014324.6(AMACR):c.872_873delinsGG (p.Asp291Gly)

Genes: AMACR (alpha-methylacyl-CoA racemase; minus strand), C1QTNF3-AMACR (C1QTNF3-AMACR readthrough (NMD candidate); minus strand). Cytogenetic location: 5p13.2.
Variant type: Indel.
Coding change: c.872_873delinsGG on transcript NM_014324.6 (MANE Select); coding-DNA positions 872 to 873, AT replaced by GG.
Protein change: p.Asp291Gly; replaces aspartic acid 291 with glycine.
Molecular consequence: missense variant. On other transcripts: non-coding transcript variant (1), 3 prime UTR variant (1).
Genome position (GRCh38, 1-based): chr5:33,989,369-33,989,370, AT replaced by CC on the plus strand (AT replaced by GG on the coding strand, the reverse complement: AMACR is on the minus strand). VCF-style: chr5-33989369-AT-CC. GRCh37 (hg19) VCF-style: chr5-33989474-AT-CC.
Other names: c.872_873delinsGG, p.Asp291Gly (NM_001167595.2); c.*114_*115delinsGG (NM_203382.3); short protein forms D291G.
Identifiers: ClinVar variation 3346287 (VCV003346287.1).

ClinVar aggregate classification (germline): Uncertain significance (0 of 4 stars; one submission).

Conditions:
AMACR-related disorder. Also called: AMACR-related condition; AMACR-Related Disorders.

Submission:

PreventionGenetics, part of Exact Sciences
Classification: Uncertain significance for AMACR-related condition. Last evaluated: 2024-04-23. Review status: no assertion criteria provided. Collection method: clinical testing. Allele origin: germline.
Comment: The AMACR c.872_873delinsGG variant is predicted to result in an in-frame deletion and insertion. To our knowledge, this variant has not been reported in the literature or in a large population database, indicating this variant is rare. At this time, the clinical significance of this variant is uncertain due to the absence of conclusive functional and genetic evidence.